The following is an entry in ClinVar:

ClinVar aggregate classification (germline): Likely benign (1 of 4 stars; one submission).

Allele frequency attached by ClinVar (database versions not stated): 1000 Genomes Project 0.00559; 1000 Genomes Project 30x 0.00609; gnomAD 0.00647 and 0.00708; TOPMed 0.00765.
gnomAD v4.1: 981 of 152,256 alleles (0.64%); highest among the groups gnomAD compares: African/African-American, 2.2%; 13 homozygotes.

Submission:

GeneDx
Classification: Likely benign. Last evaluated: 2018-06-16. Review status: criteria provided, single submitter. Criteria: GeneDx Variant Classification (06012015). Collection method: clinical testing. Allele origin: germline. Affected: yes.
Comment: This variant is considered likely benign or benign based on one or more of the following criteria: it is a conservative change, it occurs at a poorly conserved position in the protein, it is predicted to be benign by multiple in silico algorithms, and/or has population frequency not consistent with disease.

NM_001370595.2(COA8):c.386-203A>G

Gene: COA8 (cytochrome c oxidase assembly factor 8; plus strand). Cytogenetic location: 14q32.33.
Variant type: single nucleotide variant.
Coding change: c.386-203A>G on transcript NM_001370595.2 (MANE Select); 203 bases into the intron before coding-DNA position 386, A replaced by G.
Molecular consequence: intron variant.
Genome position (GRCh38, 1-based): chr14:103,587,071, A>G. VCF-style: chr14-103587071-A-G. GRCh37 (hg19) VCF-style: chr14-104053408-A-G.
Other names: c.425-203A>G (NM_032374.4); c.474-203A>G (NM_001302653.2).
Identifiers: ClinVar variation 673643 (VCV000673643.1), dbSNP rs114893387, ClinGen allele CA14045955.